The following is an entry in ClinVar:

ClinVar aggregate classification (germline): Likely benign. Review status: criteria provided, multiple submitters, no conflicts (2 of 4 stars). 2 submissions from 2 submitters: Likely benign (2). Last evaluated 2025-12-09.

Conditions:
IMPDH1-related disorder. Also called: IMPDH1-related disorders; IMPDH1-related condition.

Allele frequency attached by ClinVar (database versions not stated): gnomAD 0.00002; TOPMed 0.00002; ExAC 0.00005.
gnomAD v4.1: 54 of 1,555,232 alleles (0.0035%); highest among the groups gnomAD compares: East Asian, 0.0048%; no homozygotes.

Submissions (2):

Labcorp Genetics (formerly Invitae), Labcorp
Classification: Likely benign. Last evaluated: 2025-12-09. Review status: criteria provided, single submitter. Criteria: Invitae Variant Classification Sherloc (09022015). Collection method: clinical testing. Allele origin: germline.

PreventionGenetics, part of Exact Sciences
Classification: Likely benign for IMPDH1-related condition. Last evaluated: 2025-03-07. Review status: criteria provided, single submitter. Criteria: ACMG Guidelines, 2015. Collection method: clinical testing. Allele origin: germline.
Comment: This variant is classified as likely benign based on ACMG/AMP sequence variant interpretation guidelines (Richards et al. 2015 PMID: 25741868, with internal and published modifications).

NM_000883.4(IMPDH1):c.1236C>T (p.Cys412=)

Gene: IMPDH1 (inosine monophosphate dehydrogenase 1; minus strand). Cytogenetic location: 7q32.1.
Variant type: single nucleotide variant.
Coding change: c.1236C>T on transcript NM_000883.4 (MANE Select); coding-DNA position 1236, C replaced by T.
Protein change: p.Cys412=; no amino-acid change (cysteine 412 retained).
Molecular consequence: synonymous variant.
Genome position (GRCh38, 1-based): chr7:128,396,625, G>A on the plus strand (C>T on the coding strand, the complement: IMPDH1 is on the minus strand). VCF-style: chr7-128396625-G-A. GRCh37 (hg19) VCF-style: chr7-128036679-G-A.
Other names: c.1236C>T (NM_000883.3); c.1206C>T, p.Cys402= (NM_001102605.2); c.981C>T, p.Cys327= (NM_001142573.2); c.966C>T, p.Cys322= (NM_001142574.2); c.906C>T, p.Cys302= (NM_001142575.2); c.1137C>T, p.Cys379= (NM_001142576.2); c.1029C>T, p.Cys343= (NM_001304521.2); c.1128C>T, p.Cys376= (NM_183243.3).
Identifiers: ClinVar variation 1099376 (VCV001099376.10), dbSNP rs761238212, ClinGen allele CA4470896.